The following is an entry in ClinVar:

ClinVar aggregate classification (germline): Pathogenic (1 of 4 stars; one submission).

Conditions:
Cystic fibrosis (CF). Also called: MUCOVISCIDOSIS. Identifiers: Orphanet 586, MedGen C0010674, MONDO:0009061, OMIM 219700. Disease mechanism: loss of function.

Submission:

Labcorp Genetics (formerly Invitae), Labcorp
Classification: Pathogenic for Cystic fibrosis. Last evaluated: 2021-09-29. Review status: criteria provided, single submitter. Criteria: Invitae Variant Classification Sherloc (09022015). Collection method: clinical testing. Allele origin: germline.
Comment: For these reasons, this variant has been classified as Pathogenic. This variant disrupts a region of the CFTR protein in which other variant(s) (p.Gln1476*) have been determined to be pathogenic (PMID: 11938439, 22020151, 25910067, 28544683). This suggests that this is a clinically significant region of the protein, and that variants that disrupt it are likely to be disease-causing. This variant has not been reported in the literature in individuals affected with CFTR-related conditions. This variant is not present in population databases (ExAC no frequency). This sequence change results in a frameshift in the CFTR gene (p.Gln1463Aspfs*91). While this is not anticipated to result in nonsense mediated decay, it is expected to disrupt the last 18 amino acid(s) of the CFTR protein and extend the protein by 72 additional amino acid residues.

Literature cited by the submitters: PubMed 11938439; PubMed 22020151; PubMed 25910067; PubMed 28544683.

NM_000492.4(CFTR):c.4387_4388del (p.Gln1463fs)

Genes: CFTR (CF transmembrane conductance regulator; plus strand), LOC111674477 (CFTR intron 23 enhancer; plus strand). Cytogenetic location: 7q31.2.
Variant type: Deletion.
Coding change: c.4387_4388del on transcript NM_000492.4 (MANE Select); coding-DNA positions 4387 to 4388, 2 bases deleted (CA; older notation c.4387_4388delCA).
Protein change: p.Gln1463fs; shifts the reading frame from glutamine 1463.
Molecular consequence: frameshift variant.
Genome position (GRCh38, 1-based): chr7:117,667,052-117,667,053, CA deleted. VCF-style (leftmost placement, unchanged base first): chr7-117667051-CCA-C. GRCh37 (hg19) VCF-style: chr7-117307105-CCA-C.
Other names: short protein forms Q1463fs.
Identifiers: ClinVar variation 1453519 (VCV001453519.6), dbSNP rs2116226651, ClinGen allele CA2573141583.